The following is an entry in ClinVar:

ClinVar aggregate classification (germline): Uncertain significance. Review status: criteria provided, multiple submitters, no conflicts (2 of 4 stars). 2 submissions from 2 submitters: Uncertain significance (2). Last evaluated 2023-12-19.

Conditions:
Inborn genetic diseases. Identifiers: MedGen C0950123, MeSH D030342.

Allele frequency attached by ClinVar (database versions not stated): gnomAD exomes below 0.00001 and 0.00001; ExAC 0.00001; TOPMed 0.00001.
gnomAD v4.1: 8 of 1,612,290 alleles (0.0005%); highest among the groups gnomAD compares: South Asian, 0.0033%; no homozygotes.

Submissions (2):

Ambry Genetics
Classification: Uncertain significance for Inborn genetic diseases. Last evaluated: 2023-12-19. Review status: criteria provided, single submitter. Criteria: Ambry Variant Classification Scheme 2023. Collection method: clinical testing. Allele origin: germline.

Labcorp Genetics (formerly Invitae), Labcorp
Classification: Uncertain significance. Last evaluated: 2021-10-10. Review status: criteria provided, single submitter. Criteria: Invitae Variant Classification Sherloc (09022015). Collection method: clinical testing. Allele origin: germline.
Comment: This sequence change replaces arginine with cysteine at codon 1542 of the KIAA1549 protein (p.Arg1542Cys). The arginine residue is highly conserved and there is a large physicochemical difference between arginine and cysteine. This variant is present in population databases (rs775789437, ExAC 0.006%). This variant has not been reported in the literature in individuals affected with KIAA1549-related conditions. Algorithms developed to predict the effect of missense changes on protein structure and function (SIFT, PolyPhen-2, Align-GVGD) all suggest that this variant is likely to be disruptive. In summary, the available evidence is currently insufficient to determine the role of this variant in disease. Therefore, it has been classified as a Variant of Uncertain Significance.

NM_001164665.2(KIAA1549):c.4624C>T (p.Arg1542Cys)

Gene: KIAA1549 (KIAA1549; minus strand). Cytogenetic location: 7q34.
Variant type: single nucleotide variant.
Coding change: c.4624C>T on transcript NM_001164665.2 (MANE Select); coding-DNA position 4624, C replaced by T.
Protein change: p.Arg1542Cys; replaces arginine 1542 with cysteine.
Molecular consequence: missense variant.
Genome position (GRCh38, 1-based): chr7:138,869,689, G>A on the plus strand (C>T on the coding strand, the complement: KIAA1549 is on the minus strand). VCF-style: chr7-138869689-G-A. GRCh37 (hg19) VCF-style: chr7-138554435-G-A.
Other names: c.4624C>T, p.Arg1542Cys (NM_020910.3); c.4624C>T (NM_001164665.1); short protein forms R1542C.
Identifiers: ClinVar variation 1062981 (VCV001062981.5), dbSNP rs775789437, ClinGen allele CA4505818.